The following is an entry in ClinVar:

NM_001916.5(CYC1):c.772+19_772+45del

Gene: CYC1 (cytochrome c1; plus strand). Cytogenetic location: 8q24.3.
Variant type: Deletion.
Coding change: c.772+19_772+45del on transcript NM_001916.5 (MANE Select); bases 19 to 45 of the intron after coding-DNA position 772, 27 bases deleted (GGCAGTGGGCATGTGGAATACTTCTCC).
Molecular consequence: intron variant.
Genome position (GRCh38, 1-based): chr8:144,096,763-144,096,789, GGCAGTGGGCATGTGGAATACTTCTCC deleted. VCF-style (leftmost placement, unchanged base first): chr8-144096762-TGGCAGTGGGCATGTGGAATACTTCTCC-T. GRCh37 (hg19) VCF-style: chr8-145151665-TGGCAGTGGGCATGTGGAATACTTCTCC-T.
Other names: c.772+19_772+45delGGCAGTGGGCATGTGGAATACTTCTCC (NM_001916.4).
Identifiers: ClinVar variation 418884 (VCV000418884.8), dbSNP rs67708571, ClinGen allele CA16618610.
Genomic context (GRCh38, chr8:144,096,762, plus strand): 5'-ATGGCCCCTCCCATCTACACAGATGTCTTAGAGTTTGACGATGGTAAGAGGCCTCCAGTC[TGGCAGTGGGCATGTGGAATACTTCTCC>T]ACTACCCCCAGGGATGCTTTCCCTGTGTTCCTGGGTCCAGGAGGTCCTGCCCACTTCTTG-3'

ClinVar aggregate classification (germline): Likely benign. Review status: criteria provided, multiple submitters, no conflicts (2 of 4 stars). 2 submissions from 2 submitters: Likely benign (2). Last evaluated 2026-02-03.

Submissions (2):

Labcorp Genetics (formerly Invitae), Labcorp
Classification: Likely benign. Last evaluated: 2026-02-03. Review status: criteria provided, single submitter. Criteria: Invitae Variant Classification Sherloc (09022015). Collection method: clinical testing. Allele origin: germline.

GeneDx
Classification: Likely benign. Last evaluated: 2017-10-26. Review status: criteria provided, single submitter. Criteria: GeneDx Variant Classification (06012015). Collection method: clinical testing. Allele origin: germline. Affected: yes.
Comment: This variant is considered likely benign or benign based on one or more of the following criteria: it is a conservative change, it occurs at a poorly conserved position in the protein, it is predicted to be benign by multiple in silico algorithms, and/or has population frequency not consistent with disease.